The following is an entry in ClinVar:

NM_004595.5(SMS):c.49+8C>T

Genes: SMS (spermine synthase; plus strand), LOC130068040 (ATAC-STARR-seq lymphoblastoid silent region 20700; plus strand). Cytogenetic location: Xp22.11.
Variant type: single nucleotide variant.
Coding change: c.49+8C>T on transcript NM_004595.5 (MANE Select); 8 bases into the intron after coding-DNA position 49, C replaced by T.
Molecular consequence: intron variant.
Genome position (GRCh38, 1-based): chrX:21,940,881, C>T. VCF-style: chrX-21940881-C-T. GRCh37 (hg19) VCF-style: chrX-21958999-C-T.
Other names: c.49+8C>T (NM_001258423.2).
Identifiers: ClinVar variation 5041898 (VCV005041898.1).

ClinVar aggregate classification (germline): Likely benign (1 of 4 stars; one submission).

gnomAD v4.1: 13 of 1,075,406 alleles (0.0012%); highest among the groups gnomAD compares: Non-Finnish European, 0.0013%; no homozygotes.

Submission:

CeGaT Center for Human Genetics Tuebingen
Classification: Likely benign. Last evaluated: 2026-09-01. Review status: criteria provided, single submitter. Criteria: CeGaT Center For Human Genetics Tuebingen Variant Classification Criteria Version 2. Collection method: clinical testing. Allele origin: germline. Affected: yes. Observed: 1 variant allele.
Comment: SMS: BP4, BS2